The following is an entry in ClinVar:

ClinVar aggregate classification (germline): Benign/Likely benign. Review status: criteria provided, multiple submitters, no conflicts (2 of 4 stars). 3 submissions from 3 submitters: Benign (2); Likely benign (1). Last evaluated 2026-02-01.

Conditions:
Congenital lactase deficiency. Also called: ALACTASIA, CONGENITAL; DISACCHARIDE INTOLERANCE II. Identifiers: Orphanet 53690, MedGen C0268179, MONDO:0009115, OMIM 223000.

Allele frequency attached by ClinVar (database versions not stated): TOPMed 0.00938; ESP Exome Variant Server 0.01153; 1000 Genomes Project 0.01338; 1000 Genomes Project 30x 0.01530; gnomAD exomes 0.00097 and 0.00235; ExAC 0.00306; gnomAD 0.00726.
gnomAD v4.1: 2,742 of 1,613,894 alleles (0.17%); highest among the groups gnomAD compares: African/African-American, 2.8%; 31 homozygotes.

Submissions (3):

Labcorp Genetics (formerly Invitae), Labcorp
Classification: Benign. Last evaluated: 2026-02-01. Review status: criteria provided, single submitter. Criteria: Invitae Variant Classification Sherloc (09022015). Collection method: clinical testing. Allele origin: germline.

Illumina Laboratory Services, Illumina
Classification: Benign for Congenital lactase deficiency. Last evaluated: 2018-01-12. Review status: criteria provided, single submitter. Criteria: ICSL Variant Classification Criteria 13 December 2019. Collection method: clinical testing. Allele origin: germline.
Comment: This variant was observed in the ICSL laboratory as part of a predisposition screen in an ostensibly healthy population. It had not been previously curated by ICSL or reported in the Human Gene Mutation Database (HGMD: prior to June 1st, 2018), and was therefore a candidate for classification through an automated scoring system. Utilizing variant allele frequency, disease prevalence and penetrance estimates, and inheritance mode, an automated score was calculated to assess if this variant is too frequent to cause the disease. Based on the score and internal cut-off values, a variant classified as benign is not then subjected to further curation. The score for this variant resulted in a classification of benign for this disease.

Breakthrough Genomics
Classification: Likely benign. Review status: criteria provided, single submitter. Criteria: ACMG Guidelines, 2015. Collection method: not provided. Allele origin: germline. Inheritance: Autosomal recessive inheritance. Affected: yes.

NM_002299.4(LCT):c.4777G>A (p.Val1593Met)

Gene: LCT (lactase; minus strand). Cytogenetic location: 2q21.3.
Variant type: single nucleotide variant.
Coding change: c.4777G>A on transcript NM_002299.4 (MANE Select); coding-DNA position 4777, G replaced by A.
Protein change: p.Val1593Met; replaces valine 1593 with methionine.
Molecular consequence: missense variant.
Genome position (GRCh38, 1-based): chr2:135,800,696, C>T on the plus strand (G>A on the coding strand, the complement: LCT is on the minus strand). VCF-style: chr2-135800696-C-T. GRCh37 (hg19) VCF-style: chr2-136558266-C-T.
Other names: c.4777G>A (LRG_338t1); short protein forms V1593M.
Identifiers: ClinVar variation 331169 (VCV000331169.15), dbSNP rs35891837, ClinGen allele CA1887774.